The following is an entry in ClinVar:

ClinVar aggregate classification (germline): Uncertain significance (1 of 4 stars; one submission).

Allele frequency attached by ClinVar (database versions not stated): gnomAD exomes below 0.00001; gnomAD 0.00001; 1000 Genomes Project 30x 0.00031.
gnomAD v4.1: 2 of 1,613,902 alleles (0.00012%); highest among the groups gnomAD compares: Admixed American, 0.0017%; no homozygotes.

Submission:

Labcorp Genetics (formerly Invitae), Labcorp
Classification: Uncertain significance. Last evaluated: 2024-10-17. Review status: criteria provided, single submitter. Criteria: Invitae Variant Classification Sherloc (09022015). Collection method: clinical testing. Allele origin: germline.
Comment: This sequence change replaces alanine, which is neutral and non-polar, with threonine, which is neutral and polar, at codon 1642 of the SPTA1 protein (p.Ala1642Thr). This variant is present in population databases (no rsID available, gnomAD 0.003%). This variant has not been reported in the literature in individuals affected with SPTA1-related conditions. Invitae Evidence Modeling of protein sequence and biophysical properties (such as structural, functional, and spatial information, amino acid conservation, physicochemical variation, residue mobility, and thermodynamic stability) has been performed for this missense variant. However, the output from this modeling did not meet the statistical confidence thresholds required to predict the impact of this variant on SPTA1 protein function. In summary, the available evidence is currently insufficient to determine the role of this variant in disease. Therefore, it has been classified as a Variant of Uncertain Significance.

NM_003126.4(SPTA1):c.4924G>A (p.Ala1642Thr)

Gene: SPTA1 (spectrin alpha, erythrocytic 1; minus strand). Cytogenetic location: 1q23.1.
Variant type: single nucleotide variant.
Coding change: c.4924G>A on transcript NM_003126.4 (MANE Select); coding-DNA position 4924, G replaced by A.
Protein change: p.Ala1642Thr; replaces alanine 1642 with threonine.
Molecular consequence: missense variant.
Genome position (GRCh38, 1-based): chr1:158,639,638, C>T on the plus strand (G>A on the coding strand, the complement: SPTA1 is on the minus strand). VCF-style: chr1-158639638-C-T. GRCh37 (hg19) VCF-style: chr1-158609428-C-T.
Other names: short protein forms A1642T.
Identifiers: ClinVar variation 2908285 (VCV002908285.3), dbSNP rs977234840, ClinGen allele CA31266065.